The following is an entry in ClinVar:

NM_000257.4(MYH7):c.4279G>T (p.Asp1427Tyr)

Genes: MHRT (myosin heavy chain associated RNA transcript; plus strand), MYH7 (myosin heavy chain 7; minus strand). Cytogenetic location: 14q11.2.
Variant type: single nucleotide variant.
Coding change: c.4279G>T on transcript NM_000257.4 (MANE Select); coding-DNA position 4279, G replaced by T.
Protein change: p.Asp1427Tyr; replaces aspartic acid 1427 with tyrosine.
Molecular consequence: missense variant. On other transcripts: non-coding transcript variant (1).
Genome position (GRCh38, 1-based): chr14:23,417,577, C>A on the plus strand (G>T on the coding strand, the complement: MYH7 is on the minus strand). VCF-style: chr14-23417577-C-A. GRCh37 (hg19) VCF-style: chr14-23886786-C-A.
Other names: c.4279G>T, p.Asp1427Tyr (NM_001407004.1); short protein forms D1427Y.
Identifiers: ClinVar variation 2061968 (VCV002061968.5), dbSNP rs2502251756, ClinGen allele CA389040248.

ClinVar aggregate classification (germline): Uncertain significance. Review status: criteria provided, multiple submitters, no conflicts (2 of 4 stars). 2 submissions from 2 submitters: Uncertain significance (2). Last evaluated 2024-06-03.

Conditions:
Hypertrophic cardiomyopathy. Also called: HYPERTROPHIC MYOCARDIOPATHY. Identifiers: Orphanet 217569, MedGen C0007194, MeSH D002312, MONDO:0005045, HP:0001639.

Submissions (2):

GeneDx
Classification: Uncertain significance. Last evaluated: 2024-06-03. Review status: criteria provided, single submitter. Criteria: GeneDx Variant Classification Process June 2021. Collection method: clinical testing. Allele origin: germline. Affected: yes.
Comment: Has not been previously published as pathogenic or benign to our knowledge; Not observed at significant frequency in large population cohorts (gnomAD); In silico analysis supports that this missense variant has a deleterious effect on protein structure/function

Labcorp Genetics (formerly Invitae), Labcorp
Classification: Uncertain significance for Hypertrophic cardiomyopathy. Last evaluated: 2022-01-26. Review status: criteria provided, single submitter. Criteria: Invitae Variant Classification Sherloc (09022015). Collection method: clinical testing. Allele origin: germline.
Comment: In summary, the available evidence is currently insufficient to determine the role of this variant in disease. Therefore, it has been classified as a Variant of Uncertain Significance. Algorithms developed to predict the effect of missense changes on protein structure and function are either unavailable or do not agree on the potential impact of this missense change (SIFT: "Deleterious"; PolyPhen-2: "Probably Damaging"; Align-GVGD: "Class C0"). This variant has not been reported in the literature in individuals affected with MYH7-related conditions. This variant is not present in population databases (gnomAD no frequency). This sequence change replaces aspartic acid, which is acidic and polar, with tyrosine, which is neutral and polar, at codon 1427 of the MYH7 protein (p.Asp1427Tyr).